The following is an entry in ClinVar:

ClinVar aggregate classification (germline): Benign/Likely benign. Review status: criteria provided, multiple submitters, no conflicts (2 of 4 stars). 6 submissions from 6 submitters: Benign (1); Likely benign (5). Last evaluated 2026-02-02.

Conditions:
GTP cyclohydrolase I deficiency. Identifiers: MedGen C0268467, MONDO:0100184.
Dystonia 5 (DRD). Also called: DYSTONIA, PROGRESSIVE, WITH DIURNAL VARIATION; DYSTONIA-PARKINSONISM WITH DIURNAL FLUCTUATION; GTP Cyclohydrolase 1-Deficient Dopa-Responsive Dystonia; Dystonia, DOPA-responsive, with or without hyperphenylalaninemia; DYT-GCH1. Identifiers: Orphanet 98808, MedGen C1851920, MONDO:0007495, OMIM 128230.

Allele frequency attached by ClinVar (database versions not stated): gnomAD exomes 0.00021 and 0.00058; ExAC 0.00065; ESP Exome Variant Server 0.00208; gnomAD 0.00218 and 0.00227; TOPMed 0.00231; 1000 Genomes Project 30x 0.00234; 1000 Genomes Project 0.00260.

Submissions (6):

Labcorp Genetics (formerly Invitae), Labcorp
Classification: Benign for GTP cyclohydrolase I deficiency; Dystonia 5. Last evaluated: 2026-02-02. Review status: criteria provided, single submitter. Criteria: Invitae Variant Classification Sherloc (09022015). Collection method: clinical testing. Allele origin: germline.

Blueprint Genetics
Classification: Likely benign. Last evaluated: 2024-11-05. Review status: criteria provided, single submitter. Criteria: ACMG Guidelines, 2015. Collection method: clinical testing. Allele origin: germline.

CeGaT Center for Human Genetics Tuebingen
Classification: Likely benign. Last evaluated: 2023-10-01. Review status: criteria provided, single submitter. Criteria: CeGaT Center For Human Genetics Tuebingen Variant Classification Criteria Version 2. Collection method: clinical testing. Allele origin: germline. Affected: yes. Observed: 1 variant allele.
Comment: GCH1: BP4, BP7

GeneDx
Classification: Likely benign. Last evaluated: 2020-08-05. Review status: criteria provided, single submitter. Criteria: GeneDx Variant Classification Process June 2021. Collection method: clinical testing. Allele origin: germline. Affected: yes.

Breakthrough Genomics
Classification: Likely benign. Review status: criteria provided, single submitter. Criteria: ACMG Guidelines, 2015. Collection method: not provided. Allele origin: germline. Inheritance: Autosomal recessive inheritance. Affected: yes.

PreventionGenetics, part of Exact Sciences
Classification: Likely benign. Review status: criteria provided, single submitter. Criteria: ACMG Guidelines, 2015. Collection method: clinical testing. Allele origin: germline.

NM_000161.3(GCH1):c.211C>T (p.Leu71=)

Gene: GCH1 (GTP cyclohydrolase 1; minus strand). Cytogenetic location: 14q22.2.
Variant type: single nucleotide variant.
Coding change: c.211C>T on transcript NM_000161.3 (MANE Select); coding-DNA position 211, C replaced by T.
Protein change: p.Leu71=; no amino-acid change (leucine 71 retained).
Molecular consequence: synonymous variant.
Genome position (GRCh38, 1-based): chr14:54,902,453, G>A on the plus strand (C>T on the coding strand, the complement: GCH1 is on the minus strand). VCF-style: chr14-54902453-G-A. GRCh37 (hg19) VCF-style: chr14-55369171-G-A.
Other names: c.211C>T, p.Leu71= (NM_001024024.2, NM_001024070.2, NM_001024071.2).
Identifiers: ClinVar variation 255398 (VCV000255398.40), dbSNP rs141883031, ClinGen allele CA7193661.